The following is an entry in ClinVar:

Single allele

Genes: GRIA3 (glutamate ionotropic receptor AMPA type subunit 3; plus strand), SH2D1A (SH2 domain containing 1A; plus strand), STAG2 (STAG2 cohesin complex component; plus strand), STAG2-AS1 (STAG2 antisense RNA 1; minus strand), TENM1 (teneurin transmembrane protein 1; minus strand) and 13 more. Cytogenetic location: Xq25.
Variant type: Duplication.
Identifiers: ClinVar variation 1701783 (VCV001701783.1).

ClinVar aggregate classification (germline): Pathogenic (1 of 4 stars; one submission).

Conditions:
Xq25 microduplication syndrome. Also called: Xq25 duplication syndrome. Identifiers: Orphanet 521258, MedGen C4311049, MONDO:0010507, OMIM 300979.

Submission:

New York Genome Center
Classification: Pathogenic for Xq25 microduplication syndrome. Last evaluated: 2021-08-20. Review status: criteria provided, single submitter. Criteria: NYGC Assertion Criteria 2020. Collection method: clinical testing. Allele origin: de novo. Affected: yes. Observed: 1 variant allele. Study: CSER-NYCKidSeq.
Comment: This de novo 1.7MB Xq25 duplication is absent from gnomAD SVs (v2.1) and the Database of Genomic Variants (DGV) suggesting it is not acommon benign variant in the populations represented in those databases. While this exact duplication has not been reported in the literature, other similar duplications containing the GRIA3, XIAP, and STAG2 genes have been reported in several individuals with variable clinical features including intellectual disability,developmental delay, behavioral abnormalities and seizures [PMID:23637084, 24733578, 31609727]. Smaller duplications minimally including STAG2 have also been reported independently in individuals with a neurodevelopmental phenotype including developmental delay, intellectual disability, as well as autism spectrum disorder and epilepsy in a subset of individuals [PMID:25450604, 26443594, 25677961], suggesting STAG2 is a critical gene for the Xp25 duplication phenotype. Additionally, partial duplications of GRIA3 including the 5’ region through intron 5 [PMID:17568425] and exon 1-12 [PMID:19449417] have been reported in males with intellectual disability. While this exact duplication has not been reported in the literature, the presence of many affected individuals in the literature with smaller duplications contained within the one identified here, including microduplications of the STAG2 gene, results in the classification of the de novo 1.7MB Xq25duplication identified here as Pathogenic.